The following is an entry in ClinVar:

NM_153676.4(USH1C):c.695del (p.Gln232fs)

Gene: USH1C (USH1 protein network component harmonin; minus strand). Cytogenetic location: 11p15.1.
Variant type: Deletion.
Coding change: c.695del on transcript NM_153676.4 (MANE Select); coding-DNA position 695, one base deleted (A; older notation c.695delA).
Protein change: p.Gln232fs; shifts the reading frame from glutamine 232.
Molecular consequence: frameshift variant. On other transcripts: non-coding transcript variant (1).
Genome position (GRCh38, 1-based): chr11:17,524,515, T deleted on the plus strand (A on the coding strand, the reverse complement: USH1C is on the minus strand). VCF-style (leftmost placement, unchanged base first): chr11-17524514-CT-C. GRCh37 (hg19) VCF-style: chr11-17546061-CT-C.
Other names: c.695del, p.Gln232fs (NM_001297764.2, NM_005709.4); short protein forms Q232fs.
Identifiers: ClinVar variation 2135834 (VCV002135834.4), dbSNP rs2497170857, ClinGen allele CA2580082807.
Genomic context (GRCh38, chr11:17,524,514, plus strand): 5'-CAATCCCACCTCAGCAGACAGGGAGCCAGGTTTCACATGGCTGATAAAGATGCCAGGCTT[CT>C]GGATGGGGCCGCTGGAAATGCTGCGGGAGGTGGGAAATGTGTGCTCGGGATTCAGGTAAC-3'

ClinVar aggregate classification (germline): Pathogenic (1 of 4 stars; one submission).

Allele frequency attached by ClinVar (database versions not stated): gnomAD exomes below 0.00001.

Submission:

Labcorp Genetics (formerly Invitae), Labcorp
Classification: Pathogenic. Last evaluated: 2022-05-09. Review status: criteria provided, single submitter. Criteria: Invitae Variant Classification Sherloc (09022015). Collection method: clinical testing. Allele origin: germline.
Comment: For these reasons, this variant has been classified as Pathogenic. This variant has not been reported in the literature in individuals affected with USH1C-related conditions. This variant is not present in population databases (gnomAD no frequency). This sequence change creates a premature translational stop signal (p.Gln232Argfs*10) in the USH1C gene. It is expected to result in an absent or disrupted protein product. Loss-of-function variants in USH1C are known to be pathogenic (PMID: 10973247, 17407589, 20301442, 21203349).

Literature cited by the submitters: PubMed 10973247; PubMed 17407589; PubMed 20301442; PubMed 21203349.